The following is an entry in ClinVar:

NM_002471.4(MYH6):c.4735G>A (p.Ala1579Thr)

Genes: MYH6 (myosin heavy chain 6; minus strand), LOC126861896 (BRD4-independent group 4 enhancer GRCh37_chr14:23854904-23856103; plus strand). Cytogenetic location: 14q11.2.
Variant type: single nucleotide variant.
Coding change: c.4735G>A on transcript NM_002471.4 (MANE Select); coding-DNA position 4735, G replaced by A.
Protein change: p.Ala1579Thr; replaces alanine 1579 with threonine.
Molecular consequence: missense variant.
Genome position (GRCh38, 1-based): chr14:23,386,539, C>T on the plus strand (G>A on the coding strand, the complement: MYH6 is on the minus strand). VCF-style: chr14-23386539-C-T. GRCh37 (hg19) VCF-style: chr14-23855748-C-T.
Other names: short protein forms A1579T.
Identifiers: ClinVar variation 1037416 (VCV001037416.9), dbSNP rs1333346577, ClinGen allele CA388992632.

ClinVar aggregate classification (germline): Uncertain significance (1 of 4 stars; one submission).

Conditions:
Hypertrophic cardiomyopathy 14. Identifiers: MedGen C2750467, MONDO:0013197, OMIM 613251.

Submission:

Labcorp Genetics (formerly Invitae), Labcorp
Classification: Uncertain significance for Hypertrophic cardiomyopathy 14. Last evaluated: 2020-09-11. Review status: criteria provided, single submitter. Criteria: Invitae Variant Classification Sherloc (09022015). Collection method: clinical testing. Allele origin: germline.
Comment: This sequence change replaces alanine with threonine at codon 1579 of the MYH6 protein (p.Ala1579Thr). The alanine residue is moderately conserved and there is a small physicochemical difference between alanine and threonine. In summary, the available evidence is currently insufficient to determine the role of this variant in disease. Therefore, it has been classified as a Variant of Uncertain Significance. Algorithms developed to predict the effect of missense changes on protein structure and function output the following: SIFT: "Tolerated"; PolyPhen-2: "Benign"; Align-GVGD: "Class C0". The threonine amino acid residue is found in multiple mammalian species, suggesting that this missense change does not adversely affect protein function. These predictions have not been confirmed by published functional studies and their clinical significance is uncertain. This variant has not been reported in the literature in individuals with MYH6-related conditions. This variant is not present in population databases (ExAC no frequency).